The following is an entry in ClinVar:

ClinVar aggregate classification (germline): Uncertain significance (1 of 4 stars; one submission).

Conditions:
Congenital myasthenic syndrome 8. Also called: Myasthenic syndrome, congenital, 8, with pre- and postsynaptic defects; MYASTHENIC SYNDROME, CONGENITAL, DUE TO AGRIN DEFICIENCY. Identifiers: Orphanet 590, MedGen C3808739, MONDO:0014052, OMIM 615120.

Submission:

Labcorp Genetics (formerly Invitae), Labcorp
Classification: Uncertain significance for Congenital myasthenic syndrome 8. Last evaluated: 2020-09-24. Review status: criteria provided, single submitter. Criteria: Invitae Variant Classification Sherloc (09022015). Collection method: clinical testing. Allele origin: germline.
Comment: In summary, the available evidence is currently insufficient to determine the role of this variant in disease. Therefore, it has been classified as a Variant of Uncertain Significance. Algorithms developed to predict the effect of missense changes on protein structure and function (SIFT, PolyPhen-2, Align-GVGD) all suggest that this variant is likely to be tolerated, but these predictions have not been confirmed by published functional studies and their clinical significance is uncertain. This variant has not been reported in the literature in individuals with AGRN-related conditions. This variant is not present in population databases (ExAC no frequency). This sequence change replaces alanine with glycine at codon 1028 of the AGRN protein (p.Ala1028Gly). The alanine residue is weakly conserved and there is a small physicochemical difference between alanine and glycine.

NM_198576.4(AGRN):c.3083C>G (p.Ala1028Gly)

Gene: AGRN (agrin; plus strand). Cytogenetic location: 1p36.33.
Variant type: single nucleotide variant.
Coding change: c.3083C>G on transcript NM_198576.4 (MANE Select); coding-DNA position 3083, C replaced by G.
Protein change: p.Ala1028Gly; replaces alanine 1028 with glycine.
Molecular consequence: missense variant.
Genome position (GRCh38, 1-based): chr1:1,046,568, C>G. VCF-style: chr1-1046568-C-G. GRCh37 (hg19) VCF-style: chr1-981948-C-G.
Other names: c.3083C>G, p.Ala1028Gly (NM_001305275.2); c.2768C>G, p.Ala923Gly (NM_001364727.2); short protein forms A1028G, A923G.
Identifiers: ClinVar variation 1015764 (VCV001015764.8), dbSNP rs1645101488, ClinGen allele CA337846936.